The following is an entry in ClinVar:

ClinVar aggregate classification (germline): Uncertain significance (1 of 4 stars; one submission).

Submission:

Labcorp Genetics (formerly Invitae), Labcorp
Classification: Uncertain significance. Last evaluated: 2025-05-23. Review status: criteria provided, single submitter. Criteria: Invitae Variant Classification Sherloc (09022015). Collection method: clinical testing. Allele origin: germline.
Comment: This sequence change replaces leucine, which is neutral and non-polar, with valine, which is neutral and non-polar, at codon 246 of the TACO1 protein (p.Leu246Val). This variant is not present in population databases (gnomAD no frequency). This variant has not been reported in the literature in individuals affected with TACO1-related conditions. Invitae Evidence Modeling of protein sequence and biophysical properties (such as structural, functional, and spatial information, amino acid conservation, physicochemical variation, residue mobility, and thermodynamic stability) indicates that this missense variant is not expected to disrupt TACO1 protein function with a negative predictive value of 80%. In summary, the available evidence is currently insufficient to determine the role of this variant in disease. Therefore, it has been classified as a Variant of Uncertain Significance.

NM_016360.4(TACO1):c.736C>G (p.Leu246Val)

Gene: TACO1 (translational activator of cytochrome c oxidase I; plus strand). Cytogenetic location: 17q23.3.
Variant type: single nucleotide variant.
Coding change: c.736C>G on transcript NM_016360.4 (MANE Select); coding-DNA position 736, C replaced by G.
Protein change: p.Leu246Val; replaces leucine 246 with valine.
Molecular consequence: missense variant.
Genome position (GRCh38, 1-based): chr17:63,607,844, C>G. VCF-style: chr17-63607844-C-G. GRCh37 (hg19) VCF-style: chr17-61685204-C-G.
Other names: short protein forms L246V.
Identifiers: ClinVar variation 4803427 (VCV004803427.1).